The following is an entry in ClinVar:

ClinVar aggregate classification (germline): Uncertain significance (1 of 4 stars; one submission).

Submission:

GeneDx
Classification: Uncertain significance. Last evaluated: 2025-02-06. Review status: criteria provided, single submitter. Criteria: GeneDx Variant Classification Process June 2021. Collection method: clinical testing. Allele origin: germline. Affected: yes.
Comment: Not observed at significant frequency in large population cohorts (gnomAD); In silico analysis supports that this missense variant has a deleterious effect on protein structure/function; Has not been previously published as pathogenic or benign to our knowledge

NM_001197104.2(KMT2A):c.11582A>G (p.Tyr3861Cys)

Genes: KMT2A (lysine methyltransferase 2A; plus strand), TTC36-AS1 (TTC36 and KMT2A antisense RNA 1; minus strand). Cytogenetic location: 11q23.3.
Variant type: single nucleotide variant.
Coding change: c.11582A>G on transcript NM_001197104.2 (MANE Select); coding-DNA position 11582, A replaced by G.
Protein change: p.Tyr3861Cys; replaces tyrosine 3861 with cysteine.
Molecular consequence: missense variant.
Genome position (GRCh38, 1-based): chr11:118,521,356, A>G. VCF-style: chr11-118521356-A-G. GRCh37 (hg19) VCF-style: chr11-118392071-A-G.
Other names: c.11672A>G, p.Tyr3891Cys (NM_001412597.1); c.11573A>G, p.Tyr3858Cys (NM_005933.4); short protein forms Y3858C, Y3861C, Y3891C.
Identifiers: ClinVar variation 4074505 (VCV004074505.1).